The following is an entry in ClinVar:

NM_000407.5(GP1BB):c.104C>A (p.Thr35Lys)

Genes: GP1BB (glycoprotein Ib platelet subunit beta; plus strand), SEPT5-GP1BB (SEPT5-GP1BB readthrough; plus strand). Cytogenetic location: 22q11.21.
Variant type: single nucleotide variant.
Coding change: c.104C>A on transcript NM_000407.5 (MANE Select); coding-DNA position 104, C replaced by A.
Protein change: p.Thr35Lys; replaces threonine 35 with lysine.
Molecular consequence: missense variant. On other transcripts: non-coding transcript variant (2).
Genome position (GRCh38, 1-based): chr22:19,723,947, C>A. VCF-style: chr22-19723947-C-A. GRCh37 (hg19) VCF-style: chr22-19711470-C-A.
Other names: short protein forms T35K.
Identifiers: ClinVar variation 4688624 (VCV004688624.1).

ClinVar aggregate classification (germline): Uncertain significance (1 of 4 stars; one submission).

Submission:

Women's Health and Genetics/Laboratory Corporation of America, LabCorp
Classification: Uncertain significance. Last evaluated: 2025-12-03. Review status: criteria provided, single submitter. Criteria: LabCorp Variant Classification Summary - May 2015. Collection method: clinical testing. Allele origin: germline.
Comment: Variant summary: GP1BB c.104C>A (p.Thr35Lys) results in a non-conservative amino acid change in the encoded protein sequence. Algorithms developed to predict the effect of missense changes on protein structure and function are either unavailable or do not agree on the potential impact of this missense change. The variant was absent in 116152 control chromosomes. The available data on variant occurrences in the general population are insufficient to allow any conclusion about variant significance. To our knowledge, no occurrence of c.104C>A in individuals affected with GP1BB-related conditions and no experimental evidence demonstrating its impact on protein function have been reported. No submitters have cited clinical-significance assessments for this variant to ClinVar. Based on the evidence outlined above, the variant was classified as uncertain significance.